The following is an entry in ClinVar:

NM_022114.4(PRDM16):c.2536C>T (p.Arg846Trp)

Gene: PRDM16 (PR/SET domain 16; plus strand). Cytogenetic location: 1p36.32.
Variant type: single nucleotide variant.
Coding change: c.2536C>T on transcript NM_022114.4 (MANE Select); coding-DNA position 2536, C replaced by T.
Protein change: p.Arg846Trp; replaces arginine 846 with tryptophan.
Molecular consequence: missense variant.
Genome position (GRCh38, 1-based): chr1:3,412,733, C>T. VCF-style: chr1-3412733-C-T. GRCh37 (hg19) VCF-style: chr1-3329297-C-T.
Other names: p.Arg846Trp; c.2536C>T, p.Arg846Trp (NM_199454.3); short protein forms R846W.
Identifiers: ClinVar variation 406238 (VCV000406238.8), dbSNP rs752922142, ClinGen allele CA544503.

ClinVar aggregate classification (germline): Uncertain significance. Review status: criteria provided, multiple submitters, no conflicts (2 of 4 stars). 2 submissions from 2 submitters: Uncertain significance (2). Last evaluated 2025-10-10.

Conditions:
Left ventricular noncompaction 8 (LVNC8). Identifiers: Orphanet 154, Orphanet 54260, MedGen C3809288, MONDO:0014152, OMIM 615373.

Allele frequency attached by ClinVar (database versions not stated): ExAC below 0.00001; gnomAD exomes 0.00001; gnomAD 0.00004; TOPMed 0.00005.
gnomAD v4.1: 15 of 1,506,826 alleles (0.001%); highest among the groups gnomAD compares: African/African-American, 0.0099%; no homozygotes.

Submissions (2):

Mayo Clinic Laboratories, Mayo Clinic
Classification: Uncertain significance. Last evaluated: 2025-10-10. Review status: criteria provided, single submitter. Criteria: ACMG Guidelines, 2015. Collection method: clinical testing. Allele origin: germline. Observed: 1 variant allele.
Comment: BP4_moderate, PM2_supporting

Labcorp Genetics (formerly Invitae), Labcorp
Classification: Uncertain significance for Left ventricular noncompaction 8. Last evaluated: 2025-03-25. Review status: criteria provided, single submitter. Criteria: Invitae Variant Classification Sherloc (09022015). Collection method: clinical testing. Allele origin: germline.
Comment: This sequence change replaces arginine, which is basic and polar, with tryptophan, which is neutral and slightly polar, at codon 846 of the PRDM16 protein (p.Arg846Trp). The frequency data for this variant in the population databases is considered unreliable, as metrics indicate poor data quality at this position in the gnomAD database. This variant has not been reported in the literature in individuals affected with PRDM16-related conditions. ClinVar contains an entry for this variant (Variation ID: 406238). An algorithm developed to predict the effect of missense changes on protein structure and function (PolyPhen-2) suggests that this variant is likely to be disruptive. In summary, the available evidence is currently insufficient to determine the role of this variant in disease. Therefore, it has been classified as a Variant of Uncertain Significance.